The following is an entry in ClinVar:

NM_000238.4(KCNH2):c.732del (p.Gly246fs)

Gene: KCNH2 (potassium voltage-gated channel subfamily H member 2; minus strand). Cytogenetic location: 7q36.1.
Variant type: Deletion.
Coding change: c.732del on transcript NM_000238.4 (MANE Select); coding-DNA position 732, one base deleted (G; older notation c.732delG).
Protein change: p.Gly246fs; shifts the reading frame from glycine 246.
Molecular consequence: frameshift variant.
Genome position (GRCh38, 1-based): chr7:150,958,243, C deleted on the plus strand (G on the coding strand, the reverse complement: KCNH2 is on the minus strand). VCF-style (leftmost placement, unchanged base first): chr7-150958242-GC-G. GRCh37 (hg19) VCF-style: chr7-150655330-GC-G.
Other names: c.444delG, p.Gly150Alafs (NM_001406753.1, NM_001406756.1); c.555delG, p.Gly187Alafs (NM_001406755.1); c.432delG, p.Gly146Alafs (NM_001406757.1); c.732delG, p.Gly246Alafs (NM_172056.3); short protein forms G246fs.
Identifiers: ClinVar variation 200610 (VCV000200610.4), dbSNP rs794728424, ClinGen allele CA008725.

ClinVar aggregate classification (germline): Pathogenic (1 of 4 stars; one submission).

Submission:

GeneDx
Classification: Pathogenic. Last evaluated: 2014-03-01. Review status: criteria provided, single submitter. Criteria: GeneDx Variant Classification (06012015). Collection method: clinical testing. Allele origin: germline. Affected: yes.
Comment: Although the c.732delG mutation in the KCNH2 gene has not been reported to our knowledge, this mutation causes a shift in reading frame starting at codon Glycine 246, changing it to an Alanine, and creating a premature stop codon at position 114 of the new reading frame, denoted p.Gly246AlafsX114. This mutation is expected to result in either an abnormal, truncated protein product or loss of protein from this allele through nonsense-mediated mRNA decay. Other frameshift mutations in the KCNH2 gene have been reported in association with LQTS.In summary, c.732delG in the KCNH2 gene is interpreted as a disease-causing mutation.